The following is an entry in ClinVar:

ClinVar aggregate classification (germline): Uncertain significance (1 of 4 stars; one submission).

Conditions:
Hereditary cancer-predisposing syndrome. Also called: Neoplastic Syndromes, Hereditary; Tumor predisposition; Hereditary Cancer Syndrome; Hereditary neoplastic syndrome. Identifiers: Orphanet 140162, MedGen C0027672, MeSH D009386, MONDO:0015356.

Submission:

Ambry Genetics
Classification: Uncertain significance for Hereditary cancer-predisposing syndrome. Last evaluated: 2019-10-31. Review status: criteria provided, single submitter. Criteria: Ambry Variant Classification Scheme 2023. Collection method: clinical testing. Allele origin: germline.
Comment: The p.E702Q variant (also known as c.2104G>C), located in coding exon 14 of the BRIP1 gene, results from a G to C substitution at nucleotide position 2104. The glutamic acid at codon 702 is replaced by glutamine, an amino acid with highly similar properties. This amino acid position is not well conserved in available vertebrate species. In addition, this alteration is predicted to be tolerated by in silico analysis. Since supporting evidence is limited at this time, the clinical significance of this alteration remains unclear.

NM_032043.3(BRIP1):c.2104G>C (p.Glu702Gln)

Gene: BRIP1 (BRCA1 interacting DNA helicase 1; minus strand). Cytogenetic location: 17q23.2.
Variant type: single nucleotide variant.
Coding change: c.2104G>C on transcript NM_032043.3 (MANE Select); coding-DNA position 2104, G replaced by C.
Protein change: p.Glu702Gln; replaces glutamic acid 702 with glutamine.
Molecular consequence: missense variant.
Genome position (GRCh38, 1-based): chr17:61,744,585, C>G on the plus strand (G>C on the coding strand, the complement: BRIP1 is on the minus strand). VCF-style: chr17-61744585-C-G. GRCh37 (hg19) VCF-style: chr17-59821946-C-G.
Other names: short protein forms E702Q.
Identifiers: ClinVar variation 481634 (VCV000481634.5), dbSNP rs1555591547, ClinGen allele CA400483413.
Genomic context (GRCh38, chr17:61,744,585, plus strand): 5'-TCTTCACCAACTCCAGATTATGCCATAAACCAGTAGAGAGCCAACGTTCTTTTAATTTTT[C>G]TAATAACTAAAGAGGGGAAAGAAAAAAATGATTTTTTGTGTGTCTAGCTAAACAAACTTA-3'
Protein context (NP_114432.2, residues 692-712): LCFLPSYKLL[Glu702Gln]KLKERWLSTG